The following is an entry in ClinVar:

NM_000209.4(PDX1):c.62A>T (p.Gln21Leu)

Gene: PDX1 (pancreatic and duodenal homeobox 1; plus strand). Cytogenetic location: 13q12.2.
Variant type: single nucleotide variant.
Coding change: c.62A>T on transcript NM_000209.4 (MANE Select); coding-DNA position 62, A replaced by T.
Protein change: p.Gln21Leu; replaces glutamine 21 with leucine.
Molecular consequence: missense variant.
Genome position (GRCh38, 1-based): chr13:27,920,200, A>T. VCF-style: chr13-27920200-A-T. GRCh37 (hg19) VCF-style: chr13-28494337-A-T.
Other names: short protein forms Q21L.
Identifiers: ClinVar variation 2796932 (VCV002796932.3), dbSNP rs1358532247, ClinGen allele CA387643651.

ClinVar aggregate classification (germline): Uncertain significance (1 of 4 stars; one submission).

Allele frequency attached by ClinVar (database versions not stated): gnomAD exomes below 0.00001; TOPMed below 0.00001.

Submission:

Labcorp Genetics (formerly Invitae), Labcorp
Classification: Uncertain significance. Last evaluated: 2023-01-05. Review status: criteria provided, single submitter. Criteria: Invitae Variant Classification Sherloc (09022015). Collection method: clinical testing. Allele origin: germline.
Comment: This variant has not been reported in the literature in individuals affected with PDX1-related conditions. This sequence change replaces glutamine, which is neutral and polar, with leucine, which is neutral and non-polar, at codon 21 of the PDX1 protein (p.Gln21Leu). The frequency data for this variant in the population databases is considered unreliable, as metrics indicate poor data quality at this position in the gnomAD database. Advanced modeling of protein sequence and biophysical properties (such as structural, functional, and spatial information, amino acid conservation, physicochemical variation, residue mobility, and thermodynamic stability) performed at Invitae indicates that this missense variant is expected to disrupt PDX1 protein function. In summary, the available evidence is currently insufficient to determine the role of this variant in disease. Therefore, it has been classified as a Variant of Uncertain Significance.